The following is an entry in ClinVar:

NM_001365999.1(SZT2):c.8094_8095dup (p.Lys2699fs)

Gene: SZT2 (SZT2 subunit of KICSTOR complex; plus strand). Cytogenetic location: 1p34.2.
Variant type: Duplication.
Coding change: c.8094_8095dup on transcript NM_001365999.1 (MANE Select); coding-DNA positions 8094 to 8095, 2 bases duplicated (GA; older notation c.8094_8095dupGA).
Protein change: p.Lys2699fs; shifts the reading frame from lysine 2699.
Molecular consequence: frameshift variant.
Genome position (GRCh38, 1-based): chr1:43,442,561-43,442,562, GA duplicated; duplicating any 2 consecutive bases within chr1:43,442,560-43,442,562 gives the same sequence; the c. name uses the placement nearest the transcript's 3' end. VCF-style (leftmost placement, unchanged base first): chr1-43442559-C-CAG. GRCh37 (hg19) VCF-style: chr1-43908230-C-CAG.
Other names: c.7923_7924dup, p.Lys2642fs (NM_015284.4); short protein forms K2642fs, K2699fs.
Identifiers: ClinVar variation 1453906 (VCV001453906.6), dbSNP rs2153935951, ClinGen allele CA2573132393.

ClinVar aggregate classification (germline): Pathogenic (1 of 4 stars; one submission).

Submission:

Labcorp Genetics (formerly Invitae), Labcorp
Classification: Pathogenic. Last evaluated: 2022-07-26. Review status: criteria provided, single submitter. Criteria: Invitae Variant Classification Sherloc (09022015). Collection method: clinical testing. Allele origin: germline.
Comment: This variant has not been reported in the literature in individuals affected with SZT2-related conditions. For these reasons, this variant has been classified as Pathogenic. ClinVar contains an entry for this variant (Variation ID: 1453906). This variant is not present in population databases (gnomAD no frequency). This sequence change creates a premature translational stop signal (p.Lys2642Argfs*43) in the SZT2 gene. It is expected to result in an absent or disrupted protein product. Loss-of-function variants in SZT2 are known to be pathogenic (PMID: 23932106, 27248490, 28556953).

Literature cited by the submitters: PubMed 23932106; PubMed 27248490; PubMed 28556953.